The following is an entry in ClinVar:

NM_001039396.2(MPEG1):c.746A>G (p.Asn249Ser)

Gene: MPEG1 (macrophage expressed 1; minus strand). Cytogenetic location: 11q12.1.
Variant type: single nucleotide variant.
Coding change: c.746A>G on transcript NM_001039396.2 (MANE Select); coding-DNA position 746, A replaced by G.
Protein change: p.Asn249Ser; replaces asparagine 249 with serine.
Molecular consequence: missense variant.
Genome position (GRCh38, 1-based): chr11:59,212,120, T>C on the plus strand (A>G on the coding strand, the complement: MPEG1 is on the minus strand). VCF-style: chr11-59212120-T-C. GRCh37 (hg19) VCF-style: chr11-58979593-T-C.
Other names: short protein forms N249S.
Identifiers: ClinVar variation 2431431 (VCV002431431.2), dbSNP rs1565225643, ClinGen allele CA380779534.

ClinVar aggregate classification (germline): Uncertain significance (1 of 4 stars; one submission).

Conditions:
Immunodeficiency 77. Identifiers: MedGen C5543173, MONDO:0030973, OMIM 619223.

Allele frequency attached by ClinVar (database versions not stated): gnomAD exomes below 0.00001; gnomAD 0.00001.

Submission:

Laboratorio de Genetica e Diagnostico Molecular, Hospital Israelita Albert Einstein
Classification: Uncertain significance for Immunodeficiency 77. Last evaluated: 2022-06-03. Review status: criteria provided, single submitter. Criteria: ACMG Guidelines, 2015. Collection method: clinical testing. Allele origin: germline. Affected: yes.
Comment: ACMG classification criteria: PM2 moderated, BP4 supporting